The following is an entry in ClinVar:

NM_001367721.1(CASK):c.1669-6dup

Gene: CASK (calcium/calmodulin dependent serine protein kinase; minus strand). Cytogenetic location: Xp11.4.
Variant type: Duplication.
Coding change: c.1669-6dup on transcript NM_001367721.1 (MANE Select); 6 bases into the intron before coding-DNA position 1669, one base duplicated (C; older notation c.1669-6dupC).
Molecular consequence: intron variant.
Genome position (GRCh38, 1-based): chrX:41,559,853, G duplicated on the plus strand (C on the coding strand, the reverse complement: CASK is on the minus strand); the first of 7 consecutive G bases (chrX:41,559,853-41,559,859); duplicating any one gives the same sequence. VCF-style (leftmost placement, unchanged base first): chrX-41559852-A-AG. GRCh37 (hg19) VCF-style: chrX-41419105-A-AG.
Other names: c.1669-6dupC (NM_003688.3); c.1651-6dup (NM_001126055.3, NM_001410745.1); c.1669-6dup (NM_001126054.3, NM_003688.4).
Identifiers: ClinVar variation 470208 (VCV000470208.61), dbSNP rs746809939, ClinGen allele CA10390145.

ClinVar aggregate classification (germline): Conflicting classifications of pathogenicity. Review status: criteria provided, conflicting classifications (1 of 4 stars). 5 submissions from 5 submitters: Uncertain significance (2); Benign (1); Likely benign (2). Last evaluated 2025-07-02.

Conditions:
Intellectual disability, CASK-related, X-linked. Identifiers: MedGen CN043158.

Submissions (5):

Labcorp Genetics (formerly Invitae), Labcorp
Classification: Benign for Intellectual disability, CASK-related, X-linked. Last evaluated: 2025-07-02. Review status: criteria provided, single submitter. Criteria: Invitae Variant Classification Sherloc (09022015). Collection method: clinical testing. Allele origin: germline.

Blueprint Genetics
Classification: Likely benign. Last evaluated: 2023-11-24. Review status: criteria provided, single submitter. Criteria: ACMG Guidelines, 2015. Collection method: clinical testing. Allele origin: germline.

GeneDx
Classification: Likely benign. Last evaluated: 2023-02-25. Review status: criteria provided, single submitter. Criteria: GeneDx Variant Classification Process June 2021. Collection method: clinical testing. Allele origin: germline. Affected: yes.
Comment: See Variant Classification Assertion Criteria.

CeGaT Center for Human Genetics Tuebingen
Classification: Uncertain significance. Last evaluated: 2019-06-01. Review status: criteria provided, single submitter. Criteria: CeGaT Center For Human Genetics Tuebingen Variant Classification Criteria Version 2. Collection method: clinical testing. Allele origin: germline. Affected: yes. Observed: 1 variant allele.

Genetic Services Laboratory, University of Chicago
Classification: Uncertain significance. Last evaluated: 2018-04-13. Review status: criteria provided, single submitter. Criteria: ACMG Guidelines, 2015. Collection method: clinical testing. Allele origin: germline. Affected: no.